The following is an entry in ClinVar:

ClinVar aggregate classification (germline): Pathogenic (1 of 4 stars; one submission).

Conditions:
Retinoblastoma (RB1). Also called: RETINOBLASTOMA, SOMATIC. Identifiers: Orphanet 790, MedGen C0035335, MeSH D012175, MONDO:0008380, OMIM 180200, HP:0009919. Disease mechanism: loss of function. Inheritance: Both sporadic and heritable forms are tested..

Submission:

Labcorp Genetics (formerly Invitae), Labcorp
Classification: Pathogenic for Retinoblastoma. Last evaluated: 2024-07-30. Review status: criteria provided, single submitter. Criteria: Invitae Variant Classification Sherloc (09022015). Collection method: clinical testing. Allele origin: germline.
Comment: This sequence change affects a donor splice site in intron 10 of the RB1 gene. It is expected to disrupt RNA splicing. Variants that disrupt the donor or acceptor splice site typically lead to a loss of protein function (PMID: 16199547), and loss-of-function variants in RB1 are known to be pathogenic (PMID: 17096365). This variant is not present in population databases (gnomAD no frequency). Disruption of this splice site has been observed in individual(s) with retinoblastoma (Invitae). Algorithms developed to predict the effect of sequence changes on RNA splicing suggest that this variant may disrupt the consensus splice site. For these reasons, this variant has been classified as Pathogenic.

Literature cited by the submitters: PubMed 16199547; PubMed 17096365.

NM_000321.3(RB1):c.1049+2T>C

Gene: RB1 (RB transcriptional corepressor 1; plus strand). Cytogenetic location: 13q14.2.
Variant type: single nucleotide variant.
Coding change: c.1049+2T>C on transcript NM_000321.3 (MANE Select); the canonical splice donor site of the intron after coding-DNA position 1049, T replaced by C.
Molecular consequence: splice donor variant.
Genome position (GRCh38, 1-based): chr13:48,367,605, T>C. VCF-style: chr13-48367605-T-C. GRCh37 (hg19) VCF-style: chr13-48941741-T-C.
Other names: c.1049+2T>C (NM_001407165.1, NM_001407166.1).
Identifiers: ClinVar variation 3660829 (VCV003660829.2).
Genomic context (GRCh38, chr13:48,367,605, plus strand): 5'-CTAGATGCAAGATTATTTTTGGATCATGATAAAACTCTTCAGACTGATTCTATAGACAGG[T>C]ATTGCACATGGTATATTTGATTGATTTGCTTTAGATATAGGTTGATACTGATATAGGTAG-3'